The following is an entry in ClinVar:

ClinVar aggregate classification (germline): Uncertain significance (1 of 4 stars; one submission).

Allele frequency attached by ClinVar (database versions not stated): gnomAD exomes 0.00001; TOPMed 0.00001; ExAC 0.00002.
gnomAD v4.1: 4 of 1,614,230 alleles (0.00025%); highest among the groups gnomAD compares: Admixed American, 0.0067%; no homozygotes.

Submission:

Labcorp Genetics (formerly Invitae), Labcorp
Classification: Uncertain significance. Last evaluated: 2024-09-11. Review status: criteria provided, single submitter. Criteria: Invitae Variant Classification Sherloc (09022015). Collection method: clinical testing. Allele origin: germline.
Comment: This sequence change replaces valine, which is neutral and non-polar, with isoleucine, which is neutral and non-polar, at codon 193 of the ATP1A1 protein (p.Val193Ile). This variant is present in population databases (rs777143274, gnomAD 0.009%). This variant has not been reported in the literature in individuals affected with ATP1A1-related conditions. ClinVar contains an entry for this variant (Variation ID: 2084390). Invitae Evidence Modeling of protein sequence and biophysical properties (such as structural, functional, and spatial information, amino acid conservation, physicochemical variation, residue mobility, and thermodynamic stability) indicates that this missense variant is not expected to disrupt ATP1A1 protein function with a negative predictive value of 95%. In summary, the available evidence is currently insufficient to determine the role of this variant in disease. Therefore, it has been classified as a Variant of Uncertain Significance.

NM_000701.8(ATP1A1):c.577G>A (p.Val193Ile)

Gene: ATP1A1 (ATPase Na+/K+ transporting subunit alpha 1; plus strand). Cytogenetic location: 1p13.1.
Variant type: single nucleotide variant.
Coding change: c.577G>A on transcript NM_000701.8 (MANE Select); coding-DNA position 577, G replaced by A.
Protein change: p.Val193Ile; replaces valine 193 with isoleucine.
Molecular consequence: missense variant.
Genome position (GRCh38, 1-based): chr1:116,388,713, G>A. VCF-style: chr1-116388713-G-A. GRCh37 (hg19) VCF-style: chr1-116931335-G-A.
Other names: c.577G>A, p.Val193Ile (NM_001160233.2); c.484G>A, p.Val162Ile (NM_001160234.2); short protein forms V162I, V193I.
Identifiers: ClinVar variation 2084390 (VCV002084390.3), dbSNP rs777143274, ClinGen allele CA1025148.